The following is an entry in ClinVar:

ClinVar aggregate classification (germline): Benign (1 of 4 stars; one submission).

Allele frequency attached by ClinVar (database versions not stated): gnomAD 0.10912 and 0.11371; TOPMed 0.11966; 1000 Genomes Project 30x 0.15084; 1000 Genomes Project 0.15156.
gnomAD v4.1: 17,346 of 152,234 alleles (11%); highest among the groups gnomAD compares: Admixed American, 28%; 1,477 homozygotes.

Submission:

GeneDx
Classification: Benign. Last evaluated: 2018-06-19. Review status: criteria provided, single submitter. Criteria: GeneDx Variant Classification (06012015). Collection method: clinical testing. Allele origin: germline. Affected: yes.
Comment: This variant is considered likely benign or benign based on one or more of the following criteria: it is a conservative change, it occurs at a poorly conserved position in the protein, it is predicted to be benign by multiple in silico algorithms, and/or has population frequency not consistent with disease.

NM_001005373.4(LRSAM1):c.620-183G>A

Gene: LRSAM1 (leucine rich repeat and sterile alpha motif containing 1; plus strand). Cytogenetic location: 9q33.3.
Variant type: single nucleotide variant.
Coding change: c.620-183G>A on transcript NM_001005373.4 (MANE Select); 183 bases into the intron before coding-DNA position 620, G replaced by A.
Molecular consequence: intron variant.
Genome position (GRCh38, 1-based): chr9:127,473,618, G>A. VCF-style: chr9-127473618-G-A. GRCh37 (hg19) VCF-style: chr9-130235897-G-A.
Other names: c.620-183G>A (NM_138361.5, NM_001384142.1, NM_001384143.1 and 2 more transcripts); c.-165-183G>A (NM_001384144.1).
Identifiers: ClinVar variation 683124 (VCV000683124.1), dbSNP rs10819296, ClinGen allele CA13116647.